The following is an entry in ClinVar:

NM_000138.5(FBN1):c.6943A>G (p.Thr2315Ala)

Gene: FBN1 (fibrillin 1; minus strand). Cytogenetic location: 15q21.1.
Variant type: single nucleotide variant.
Coding change: c.6943A>G on transcript NM_000138.5 (MANE Select); coding-DNA position 6943, A replaced by G.
Protein change: p.Thr2315Ala; replaces threonine 2315 with alanine.
Molecular consequence: missense variant.
Genome position (GRCh38, 1-based): chr15:48,428,400, T>C on the plus strand (A>G on the coding strand, the complement: FBN1 is on the minus strand). VCF-style: chr15-48428400-T-C. GRCh37 (hg19) VCF-style: chr15-48720597-T-C.
Other names: short protein forms T2315A.
Identifiers: ClinVar variation 689552 (VCV000689552.24), dbSNP rs1597518834, ClinGen allele CA392330645.

ClinVar aggregate classification (germline): Uncertain significance. Review status: criteria provided, multiple submitters, no conflicts (2 of 4 stars). 3 submissions from 3 submitters: Uncertain significance (2). 1 of the submissions does not count toward it. Last evaluated 2025-09-22.

Conditions:
Aortic dissection. Identifiers: MedGen C0340643, HP:0002647.
Familial thoracic aortic aneurysm and aortic dissection (TAAD). Also called: Thoracic aortic aneurysms and dissections. Identifiers: Orphanet 91387, MedGen C4707243, MONDO:0019625.

Allele frequency attached by ClinVar (database versions not stated): gnomAD exomes below 0.00001.
gnomAD v4.1: 2 of 1,614,062 alleles (0.00012%); highest among the groups gnomAD compares: Non-Finnish European, 0.00017%; no homozygotes.

Submissions (3):

Color Diagnostics, LLC DBA Color Health
Classification: Uncertain significance for Familial thoracic aortic aneurysm and aortic dissection. Last evaluated: 2025-09-22. Review status: criteria provided, single submitter. Criteria: ACMG Guidelines, 2015. Collection method: clinical testing. Allele origin: germline.
Comment: This missense variant replaces threonine with alanine at codon 2315 of the FBN1 protein. Computational prediction suggests that this variant may not impact protein structure and function. To our knowledge, functional studies have not been reported for this variant. This variant has not been reported in individuals affected with FBN1-related disorders in the literature. This variant has not been identified in the general population by the Genome Aggregation Database (gnomAD). The available evidence is insufficient to determine the role of this variant in disease conclusively. Therefore, this variant is classified as a Variant of Uncertain Significance.

CeGaT Center for Human Genetics Tuebingen
Classification: Uncertain significance. Last evaluated: 2023-12-01. Review status: criteria provided, single submitter. Criteria: CeGaT Center For Human Genetics Tuebingen Variant Classification Criteria Version 2. Collection method: clinical testing. Allele origin: germline. Affected: yes. Observed: 1 variant allele.
Comment: FBN1: PM2

Institute of Human Genetics, University of Wuerzburg
Classification: Uncertain significance for Aortic dissection. Review status: no assertion criteria provided. Collection method: clinical testing. Allele origin: unknown. Not counted in ClinVar's aggregate classification.